The following is an entry in ClinVar:

ClinVar aggregate classification (germline): Uncertain significance (1 of 4 stars; one submission).

Submission:

Ambry Genetics
Classification: Uncertain significance. Last evaluated: 2023-11-03. Review status: criteria provided, single submitter. Criteria: Ambry Variant Classification Scheme 2023. Collection method: clinical testing. Allele origin: germline.
Comment: The p.G1912S variant (also known as c.5734G>A), located in coding exon 8 of the ALPK2 gene, results from a G to A substitution at nucleotide position 5734. The glycine at codon 1912 is replaced by serine, an amino acid with similar properties. This amino acid position is conserved. In addition, this alteration is predicted to be tolerated by in silico analysis. Since supporting evidence is limited at this time, the clinical significance of this alteration remains unclear.

NM_052947.4(ALPK2):c.5734G>A (p.Gly1912Ser)

Gene: ALPK2 (alpha kinase 2; minus strand). Cytogenetic location: 18q21.31.
Variant type: single nucleotide variant.
Coding change: c.5734G>A on transcript NM_052947.4 (MANE Select); coding-DNA position 5734, G replaced by A.
Protein change: p.Gly1912Ser; replaces glycine 1912 with serine.
Molecular consequence: missense variant.
Genome position (GRCh38, 1-based): chr18:58,517,114, C>T on the plus strand (G>A on the coding strand, the complement: ALPK2 is on the minus strand). VCF-style: chr18-58517114-C-T. GRCh37 (hg19) VCF-style: chr18-56184346-C-T.
Other names: short protein forms G1912S.
Identifiers: ClinVar variation 3228814 (VCV003228814.1), dbSNP rs927412152, ClinGen allele CA402549043.
Genomic context (GRCh38, chr18:58,517,114, plus strand): 5'-TGCGGTGAACCCCTTCTCCAAAGTGCAGCTCCTCCGTGGCGATCTGACCACGCAGGCGGC[C>T]CCCAAAGTAGCTGTCATGGAGGAAGTCTTCTTTGAAGATGAGTTGGCTGAATTCAATCTC-3'
Protein context (NP_443179.3, residues 1902-1922): EDFLHDSYFG[Gly1912Ser]RLRGQIATEE